The following is an entry in ClinVar:

NM_001267550.2(TTN):c.19998A>G (p.Pro6666=)

Genes: TTN (titin; minus strand), LOC126806429 (BRD4-independent group 4 enhancer GRCh37_chr2:179591393-179592592; plus strand). Cytogenetic location: 2q31.2.
Variant type: single nucleotide variant.
Coding change: c.19998A>G on transcript NM_001267550.2 (MANE Select); coding-DNA position 19998, A replaced by G.
Protein change: p.Pro6666=; no amino-acid change (proline 6666 retained).
Molecular consequence: synonymous variant. On other transcripts: intron variant (3).
Genome position (GRCh38, 1-based): chr2:178,727,367, T>C on the plus strand (A>G on the coding strand, the complement: TTN is on the minus strand). VCF-style: chr2-178727367-T-C. GRCh37 (hg19) VCF-style: chr2-179592094-T-C.
Other names: c.19047A>G, p.Pro6349= (NM_001256850.1); c.16266A>G, p.Pro5422= (NM_133378.4); c.13282+10715A>G (NM_003319.4); c.13858+10715A>G (NM_133437.4); c.13657+10715A>G (NM_133432.3).
Identifiers: ClinVar variation 755456 (VCV000755456.12), dbSNP rs1578104149, ClinGen allele CA430291057.

ClinVar aggregate classification (germline): Likely benign. Review status: criteria provided, multiple submitters, no conflicts (2 of 4 stars). 2 submissions from 2 submitters: Likely benign (2). Last evaluated 2026-07-14.

Conditions:
TTN-related disorder. Also called: TTN-related disorders; TTN-related condition; TTN-related disease.
Dilated cardiomyopathy 1G (CMD1G). Identifiers: Orphanet 154, MedGen C1858763, MONDO:0011400, OMIM 604145.
Autosomal recessive limb-girdle muscular dystrophy type 2J (LGMDR10). Also called: Limb-girdle muscular dystrophy, type 2J; MUSCULAR DYSTROPHY, LIMB-GIRDLE, AUTOSOMAL RECESSIVE 10. Identifiers: Orphanet 140922, MedGen C1837342, MONDO:0012127, OMIM 608807.

Submissions (2):

PreventionGenetics, part of Exact Sciences
Classification: Likely benign for TTN-related condition. Last evaluated: 2026-07-14. Review status: criteria provided, single submitter. Criteria: ACMG Guidelines, 2015. Collection method: clinical testing. Allele origin: germline.
Comment: This variant is classified as likely benign based on ACMG/AMP sequence variant interpretation guidelines (Richards et al. 2015 PMID: 25741868, with internal and published modifications).

Labcorp Genetics (formerly Invitae), Labcorp
Classification: Likely benign for Dilated cardiomyopathy 1G; Autosomal recessive limb-girdle muscular dystrophy type 2J. Last evaluated: 2021-03-24. Review status: criteria provided, single submitter. Criteria: Invitae Variant Classification Sherloc (09022015). Collection method: clinical testing. Allele origin: germline.